The following is an entry in ClinVar:

NM_001018115.3(FANCD2):c.210G>T (p.Val70=)

Genes: FANCD2 (FA complementation group D2; plus strand), LOC107303338 (3p25 FANCD2 Alu-mediated recombination region; plus strand). Cytogenetic location: 3p25.3.
Variant type: single nucleotide variant.
Coding change: c.210G>T on transcript NM_001018115.3 (MANE Select); coding-DNA position 210, G replaced by T.
Protein change: p.Val70=; no amino-acid change (valine 70 retained).
Molecular consequence: synonymous variant.
Genome position (GRCh38, 1-based): chr3:10,034,473, G>T. VCF-style: chr3-10034473-G-T. GRCh37 (hg19) VCF-style: chr3-10076157-G-T.
Other names: c.210G>T, p.Val70= (NM_001319984.2, NM_001374253.1, NM_001374254.1 and 2 more transcripts).
Identifiers: ClinVar variation 3718464 (VCV003718464.2).

ClinVar aggregate classification (germline): Uncertain significance (1 of 4 stars; one submission).

Conditions:
Fanconi anemia (FA). Also called: Fanconi's anemia. Identifiers: Orphanet 84, MedGen C0015625, MeSH D005199, MONDO:0019391.

Submission:

Labcorp Genetics (formerly Invitae), Labcorp
Classification: Uncertain significance for Fanconi anemia. Last evaluated: 2024-02-27. Review status: criteria provided, single submitter. Criteria: Invitae Variant Classification Sherloc (09022015). Collection method: clinical testing. Allele origin: germline.
Comment: This sequence change affects codon 70 of the FANCD2 mRNA. It is a 'silent' change, meaning that it does not change the encoded amino acid sequence of the FANCD2 protein. This variant is not present in population databases (gnomAD no frequency). This variant has not been reported in the literature in individuals affected with FANCD2-related conditions. Algorithms developed to predict the effect of sequence changes on RNA splicing suggest that this variant may disrupt the consensus splice site. In summary, the available evidence is currently insufficient to determine the role of this variant in disease. Therefore, it has been classified as a Variant of Uncertain Significance.